The following is an entry in ClinVar:

ClinVar aggregate classification (germline): Uncertain significance. Review status: criteria provided, multiple submitters, no conflicts (2 of 4 stars). 2 submissions from 2 submitters: Uncertain significance (2). Last evaluated 2026-01-26.

Allele frequency attached by ClinVar (database versions not stated): TOPMed 0.00002; ExAC 0.00001; gnomAD 0.00001; gnomAD exomes 0.00001.
gnomAD v4.1: 16 of 1,613,910 alleles (0.00099%); highest among the groups gnomAD compares: East Asian, 0.0022%; no homozygotes.

Submissions (2):

Labcorp Genetics (formerly Invitae), Labcorp
Classification: Uncertain significance. Last evaluated: 2026-01-26. Review status: criteria provided, single submitter. Criteria: Invitae Variant Classification Sherloc (09022015). Collection method: clinical testing. Allele origin: germline.
Comment: This sequence change replaces arginine, which is basic and polar, with histidine, which is basic and polar, at codon 436 of the MTMR14 protein (p.Arg436His). This variant is present in population databases (rs752231256, gnomAD 0.009%). This variant has not been reported in the literature in individuals affected with MTMR14-related conditions. ClinVar contains an entry for this variant (Variation ID: 1402156). Invitae Evidence Modeling of protein sequence and biophysical properties (such as structural, functional, and spatial information, amino acid conservation, physicochemical variation, residue mobility, and thermodynamic stability) indicates that this missense variant is not expected to disrupt MTMR14 protein function with a negative predictive value of 80%. In summary, the available evidence is currently insufficient to determine the role of this variant in disease. Therefore, it has been classified as a Variant of Uncertain Significance.

Dasa
Classification: Uncertain significance. Last evaluated: 2026-01-22. Review status: criteria provided, single submitter. Criteria: DASA Assertion Criteria. Collection method: clinical testing. Allele origin: germline.
Comment: NM_001077525.3(MTMR14):c.1307G>A (p.Arg436His) is a missense variant that results in the substitution of arginine with histidine. This variant is rare in population databases. The currently available literature and clinical evidence are not sufficient to establish a definitive association between this variant and the reported condition. Therefore, this variant is classified as a variant of uncertain significance.

NM_001077525.3(MTMR14):c.1307G>A (p.Arg436His)

Gene: MTMR14 (myotubularin related protein 14; plus strand). Cytogenetic location: 3p25.3.
Variant type: single nucleotide variant.
Coding change: c.1307G>A on transcript NM_001077525.3 (MANE Select); coding-DNA position 1307, G replaced by A.
Protein change: p.Arg436His; replaces arginine 436 with histidine.
Molecular consequence: missense variant.
Genome position (GRCh38, 1-based): chr3:9,688,956, G>A. VCF-style: chr3-9688956-G-A. GRCh37 (hg19) VCF-style: chr3-9730640-G-A.
Other names: c.1307G>A, p.Arg436His (NM_001077526.3, NM_022485.5); short protein forms R436H.
Identifiers: ClinVar variation 1402156 (VCV001402156.10), dbSNP rs752231256, ClinGen allele CA2240724.